The following is an entry in ClinVar:

ClinVar aggregate classification (germline): Likely benign (0 of 4 stars; one submission).

Conditions:
BBS9-related disorder. Also called: BBS9-related condition.

Allele frequency attached by ClinVar (database versions not stated): gnomAD exomes below 0.00001.
gnomAD v4.1: 1 of 1,600,774 alleles (0.000062%); highest among the groups gnomAD compares: Non-Finnish European, 0.000085%; no homozygotes.

Submission:

PreventionGenetics, part of Exact Sciences
Classification: Likely benign for BBS9-related condition. Last evaluated: 2023-01-27. Review status: no assertion criteria provided. Collection method: clinical testing. Allele origin: germline.
Comment: This variant is classified as likely benign based on ACMG/AMP sequence variant interpretation guidelines (Richards et al. 2015 PMID: 25741868, with internal and published modifications).

NM_198428.3(BBS9):c.443-3T>C

Gene: BBS9 (Bardet-Biedl syndrome 9; plus strand). Cytogenetic location: 7p14.3.
Variant type: single nucleotide variant.
Coding change: c.443-3T>C on transcript NM_198428.3 (MANE Select); 3 bases into the intron before coding-DNA position 443, T replaced by C.
Molecular consequence: intron variant.
Genome position (GRCh38, 1-based): chr7:33,257,233, T>C. VCF-style: chr7-33257233-T-C. GRCh37 (hg19) VCF-style: chr7-33296845-T-C.
Other names: c.443-3T>C (NM_001348036.1, NM_001362679.1, NM_001348041.4 and 5 more transcripts); c.170-3T>C (NM_001348038.3, NM_001348039.3); c.77-3T>C (NM_001348037.3, NM_001348045.3, NM_001348046.3 and 1 more transcripts); c.308-3T>C (NM_001348042.3).
Identifiers: ClinVar variation 3053814 (VCV003053814.2), dbSNP rs2534998950, ClinGen allele CA2682341657.